The following is an entry in ClinVar:

NM_001136191.3(KANK2):c.1560C>T (p.Asn520=)

Gene: KANK2 (KN motif and ankyrin repeat domains 2; minus strand). Cytogenetic location: 19p13.2.
Variant type: single nucleotide variant.
Coding change: c.1560C>T on transcript NM_001136191.3 (MANE Select); coding-DNA position 1560, C replaced by T.
Protein change: p.Asn520=; no amino-acid change (asparagine 520 retained).
Molecular consequence: synonymous variant.
Genome position (GRCh38, 1-based): chr19:11,176,778, G>A on the plus strand (C>T on the coding strand, the complement: KANK2 is on the minus strand). VCF-style: chr19-11176778-G-A. GRCh37 (hg19) VCF-style: chr19-11287454-G-A.
Other names: p.Asn520=; c.1560C>T, p.Asn520= (NM_001329451.2, NM_001379555.1, NM_001379556.1 and 7 more transcripts); c.1584C>T, p.Asn528= (NM_001379548.1, NM_001379549.1, NM_001379550.1 and 5 more transcripts).
Identifiers: ClinVar variation 1561296 (VCV001561296.9), dbSNP rs113417032, ClinGen allele CA9205596.
Genomic context (GRCh38, chr19:11,176,778, plus strand): 5'-ACTCGGAACCCTCTCCCTCGGCTCTGGGGCCTCGTTCTCTGTGCTGTCGTTGTCTGAGAT[G>A]TTCTCTGCTGTGCTGGAGTCCTCGGATGACGACTCATACCTGGGGAGGAACGAGCGGGGA-3'
Protein context (NP_001129663.1, residues 510-530): SSSEDSSTAE[Asn520=]ISDNDSTENE

ClinVar aggregate classification (germline): Benign/Likely benign. Review status: criteria provided, multiple submitters, no conflicts (2 of 4 stars). 2 submissions from 2 submitters: Benign (1); Likely benign (1). Last evaluated 2025-10-23.

Allele frequency attached by ClinVar (database versions not stated): gnomAD exomes 0.00027 and 0.00009; ExAC 0.00031; 1000 Genomes Project 30x 0.00078; 1000 Genomes Project 0.00080; gnomAD 0.00094 and 0.00098; ESP Exome Variant Server 0.00108; TOPMed 0.00111.
gnomAD v4.1: 280 of 1,586,086 alleles (0.018%); highest among the groups gnomAD compares: African/African-American, 0.33%; 1 homozygote.

Submissions (2):

Labcorp Genetics (formerly Invitae), Labcorp
Classification: Benign. Last evaluated: 2025-10-23. Review status: criteria provided, single submitter. Criteria: Invitae Variant Classification Sherloc (09022015). Collection method: clinical testing. Allele origin: germline.

Mayo Clinic Laboratories, Mayo Clinic
Classification: Likely benign. Last evaluated: 2025-10-23. Review status: criteria provided, single submitter. Criteria: ACMG Guidelines, 2015. Collection method: clinical testing. Allele origin: germline. Observed: 1 variant allele.
Comment: BS1, BP4, BP7